The following is an entry in ClinVar:

ClinVar aggregate classification (germline): Likely pathogenic. Review status: criteria provided, multiple submitters, no conflicts (2 of 4 stars). 2 submissions from 2 submitters: Likely pathogenic (2). Last evaluated 2023-07-26.

Conditions:
Otospondylomegaepiphyseal dysplasia, autosomal recessive (OSMEDB). Also called: CHONDRODYSTROPHY WITH SENSORINEURAL DEAFNESS; Insley-Astley syndrome. Identifiers: Orphanet 1427, MedGen CN034493, MONDO:0044206, OMIM 215150.

Submissions (2):

3billion
Classification: Likely pathogenic for Otospondylomegaepiphyseal dysplasia, autosomal recessive. Last evaluated: 2023-07-26. Review status: criteria provided, single submitter. Criteria: ACMG Guidelines, 2015. Collection method: clinical testing. Allele origin: germline. Affected: yes.
Comment: The variant is not observed in the gnomAD v2.1.1 dataset. Predicted Consequence/Location: The variant is located in a mutational hot spot and/or well-established functional domain in which established pathogenic variants have been reported (PMID: 30311386, 25633957). Protein truncation variants are a common disease-causing mechanism. In silico tool predictions suggest damaging effect of the variant on gene or gene product (REVEL: 0.99; 3Cnet: 1.00). Same nucleotide change resulting in same amino acid change has been previously reported to be associated with COL11A2 related disorder (ClinVar ID: VCV001334114 /PMID: 32747562). Therefore, this variant is classified as Likely pathogenic according to the recommendation of ACMG/AMP guideline.

King Laboratory, University of Washington
Classification: Likely pathogenic for Otospondylomegaepiphyseal dysplasia, autosomal recessive. Last evaluated: 2020-08-01. Review status: criteria provided, single submitter. Criteria: Abu Rayyan A et al. (Proc Natl Acad Sci U S A 2020). Collection method: research. Allele origin: germline. Affected: yes.
Comment: COL11A2 c.3080G>A, p.G1027E alters a residue of COL11A2 completely conserved in all sequenced vertebrates. The variant is homozygous in 4 Palestinian children with a syndromic phenotype including severe pre-lingual hearing loss and joint problems (Abu Rayyan 2020). It is absent from 1300 Palestinian controls and absent from gnomAD v2.1.1.

Literature cited by the submitters: PubMed 32747562 (cited by 3billion).

NM_080680.3(COL11A2):c.3080G>A (p.Gly1027Glu)

Gene: COL11A2 (collagen type XI alpha 2 chain; minus strand). Cytogenetic location: 6p21.32.
Variant type: single nucleotide variant.
Coding change: c.3080G>A on transcript NM_080680.3 (MANE Select); coding-DNA position 3080, G replaced by A.
Protein change: p.Gly1027Glu; replaces glycine 1027 with glutamic acid.
Molecular consequence: missense variant.
Genome position (GRCh38, 1-based): chr6:33,171,783, C>T on the plus strand (G>A on the coding strand, the complement: COL11A2 is on the minus strand). VCF-style: chr6-33171783-C-T. GRCh37 (hg19) VCF-style: chr6-33139560-C-T.
Other names: NM_080680.2:c.3080G>A; c.2759G>A, p.Gly920Glu (NM_080679.3); c.2822G>A, p.Gly941Glu (NM_080681.3); short protein forms G1027E, G920E, G941E.
Identifiers: ClinVar variation 1334114 (VCV001334114.3), dbSNP rs2150548120, ClinGen allele CA363636527.